The following is an entry in ClinVar:

ClinVar aggregate classification (germline): Uncertain significance. Review status: criteria provided, multiple submitters, no conflicts (2 of 4 stars). 3 submissions from 3 submitters: Uncertain significance (2). 1 of the submissions does not count toward it. Last evaluated 2024-12-09.

Conditions:
Laryngo-onycho-cutaneous syndrome (JEB2C). Also called: SHABBIR SYNDROME; LOGIC SYNDROME; EPIDERMOLYSIS BULLOSA, JUNCTIONAL 2C, LARYNGOONYCHOCUTANEOUS. Identifiers: Orphanet 2407, MedGen C1328355, MONDO:0009513, OMIM 245660.
Epidermolysis bullosa, junctional 2A, intermediate. Also called: EPIDERMOLYSIS BULLOSA, JUNCTIONAL 2A, GENERALIZED INTERMEDIATE; EPIDERMOLYSIS BULLOSA, JUNCTIONAL 2A, NON-HERLITZ TYPE. Identifiers: MedGen C5676936, MONDO:0030746, OMIM 619783.
Epidermolysis bullosa, junctional 2B, severe. Also called: EPIDERMOLYSIS BULLOSA, JUNCTIONAL 2B, GENERALIZED SEVERE; EPIDERMOLYSIS BULLOSA, JUNCTIONAL 2B, HERLITZ TYPE. Identifiers: MedGen C5676937, MONDO:0030747, OMIM 619784.
Junctional epidermolysis bullosa gravis of Herlitz. Also called: EPIDERMOLYSIS BULLOSA JUNCTIONALIS, HERLITZ TYPE; EPIDERMOLYSIS BULLOSA, JUNCTIONAL, HERLITZ-PEARSON TYPE; Epidermolysis Bullosa Letalis; Herlitz-type junctional epidermolysis bullosa; JEB-HERLITZ TYPE; EPIDERMOLYSIS BULLOSA, JUNCTIONAL 1B, SEVERE. Identifiers: Orphanet 79404, MedGen C0079683, MONDO:0009182, OMIM 226700.
Inborn genetic diseases. Identifiers: MedGen C0950123, MeSH D030342.

Allele frequency attached by ClinVar (database versions not stated): gnomAD 0.00004; gnomAD exomes 0.00004 and 0.00009; TOPMed 0.00005; ExAC 0.00008; ESP Exome Variant Server 0.00008.
gnomAD v4.1: 71 of 1,613,818 alleles (0.0044%); highest among the groups gnomAD compares: African/African-American, 0.0013%; no homozygotes.

Submissions (3):

Ambry Genetics
Classification: Uncertain significance for Inborn genetic diseases. Last evaluated: 2024-12-09. Review status: criteria provided, single submitter. Criteria: Ambry Variant Classification Scheme 2023. Collection method: clinical testing. Allele origin: germline.

Fulgent Genetics
Classification: Uncertain significance for Junctional epidermolysis bullosa gravis of Herlitz; Laryngo-onycho-cutaneous syndrome; Epidermolysis bullosa, junctional 2A, intermediate; Epidermolysis bullosa, junctional 2B, severe. Last evaluated: 2022-04-22. Review status: criteria provided, single submitter. Criteria: ACMG Guidelines, 2015. Collection method: clinical testing. Allele origin: unknown.

Department of Pathology and Laboratory Medicine, Sinai Health System
Classification: Uncertain significance. Review status: no assertion criteria provided. Collection method: clinical testing. Allele origin: unknown. Affected: yes. Study: The Canadian Open Genetics Repository (COGR). Not counted in ClinVar's aggregate classification.
Comment: The LAMA3 p.Gly778Arg variant was not identified in the literature nor was it identified in ClinVar. The variant was identified in dbSNP (ID: rs367800328) and in control databases in 22 of 249454 chromosomes at a frequency of 0.00008819 (Genome Aggregation Database March 6, 2019, v2.1.1). The variant was observed in the following populations: Ashkenazi Jewish in 18 of 10068 chromosomes (freq: 0.001788), Other in 2 of 6054 chromosomes (freq: 0.00033) and European (non-Finnish) in 2 of 113206 chromosomes (freq: 0.000018), but was not observed in the African, Latino, East Asian, European (Finnish), or South Asian populations. The p.Gly778Arg residue is not conserved in mammals and four out of five computational analyses (PolyPhen-2, SIFT, AlignGVGD, BLOSUM, MutationTaster) do not suggest a high likelihood of impact to the protein; however, this information is not predictive enough to rule out pathogenicity. The variant occurs outside of the splicing consensus sequence and 3 of 4 in silico or computational prediction software programs (SpliceSiteFinder, MaxEntScan, NNSPLICE, GeneSplicer) predict a greater than 10% difference in splicing. However, this information is not predictive enough to assume pathogenicity. In summary, based on the above information the clinical significance of this variant cannot be determined with certainty at this time. This variant is classified as a variant of uncertain significance.

NM_198129.4(LAMA3):c.2332G>A (p.Gly778Arg)

Gene: LAMA3 (laminin subunit alpha 3; plus strand). Cytogenetic location: 18q11.2.
Variant type: single nucleotide variant.
Coding change: c.2332G>A on transcript NM_198129.4 (MANE Select); coding-DNA position 2332, G replaced by A.
Protein change: p.Gly778Arg; replaces glycine 778 with arginine.
Molecular consequence: missense variant.
Genome position (GRCh38, 1-based): chr18:23,822,279, G>A. VCF-style: chr18-23822279-G-A. GRCh37 (hg19) VCF-style: chr18-21402243-G-A.
Other names: c.2332G>A, p.Gly778Arg (NM_001127717.4); c.2332G>A (NM_198129.1); short protein forms G778R.
Identifiers: ClinVar variation 1050319 (VCV001050319.3), dbSNP rs367800328, ClinGen allele CA8914934.